The following is an entry in ClinVar:

NM_005188.4(CBL):c.1359A>C (p.Pro453=)

Gene: CBL (Cbl proto-oncogene; plus strand). Cytogenetic location: 11q23.3.
Variant type: single nucleotide variant.
Coding change: c.1359A>C on transcript NM_005188.4 (MANE Select); coding-DNA position 1359, A replaced by C.
Protein change: p.Pro453=; no amino-acid change (proline 453 retained).
Molecular consequence: synonymous variant.
Genome position (GRCh38, 1-based): chr11:119,278,641, A>C. VCF-style: chr11-119278641-A-C. GRCh37 (hg19) VCF-style: chr11-119149351-A-C.
Other names: p.P453P:CCA>CCC.
Identifiers: ClinVar variation 162834 (VCV000162834.37), dbSNP rs34732429, ClinGen allele CA175405.

ClinVar aggregate classification (germline): Benign/Likely benign. Review status: criteria provided, multiple submitters, no conflicts (2 of 4 stars). 13 submissions from 13 submitters: Benign (6); Likely benign (4). 3 of the submissions do not count toward it. Last evaluated 2026-01-28.

Conditions:
CBL-related disorder. Also called: CBL MUTATION-ASSOCIATED SYNDROME; CBL SYNDROME; NOONAN SYNDROME-LIKE DISORDER WITHOUT JUVENILE MYELOMONOCYTIC LEUKEMIA. Identifiers: Orphanet 363972, MedGen C3150803, MONDO:0013308, OMIM 613563.
Cardiovascular phenotype. Identifiers: MedGen CN230736.
RASopathy. Also called: rasopathies; Noonan spectrum disorder. Identifiers: Orphanet 536391, MedGen C5555857, MONDO:0021060.
Juvenile myelomonocytic leukemia (JMML). Also called: LEUKEMIA, JUVENILE MYELOMONOCYTIC, SOMATIC. Identifiers: Orphanet 86834, MedGen C0349639, MONDO:0011908, OMIM 607785, HP:0012209.

Allele frequency attached by ClinVar (database versions not stated): gnomAD exomes 0.00018 and 0.00044; ExAC 0.00049; gnomAD 0.00173 and 0.00188; 1000 Genomes Project 30x 0.00203; TOPMed 0.00211; ESP Exome Variant Server 0.00231; 1000 Genomes Project 0.00260.
gnomAD v4.1: 567 of 1,614,100 alleles (0.035%); highest among the groups gnomAD compares: African/African-American, 0.61%; 2 homozygotes.

Submissions (13):

Labcorp Genetics (formerly Invitae), Labcorp
Classification: Benign for RASopathy. Last evaluated: 2026-01-28. Review status: criteria provided, single submitter. Criteria: Invitae Variant Classification Sherloc (09022015). Collection method: clinical testing. Allele origin: germline.

Blueprint Genetics
Classification: Likely benign. Last evaluated: 2024-09-18. Review status: criteria provided, single submitter. Criteria: ACMG Guidelines, 2015. Collection method: clinical testing. Allele origin: germline.

KCCC/NGS Laboratory, Kuwait Cancer Control Center
Classification: Benign for Juvenile myelomonocytic leukemia. Last evaluated: 2023-07-07. Review status: criteria provided, single submitter. Criteria: ACMG Guidelines, 2015. Collection method: clinical testing. Allele origin: germline. Affected: yes.

Ambry Genetics
Classification: Likely benign for Cardiovascular phenotype. Last evaluated: 2022-05-17. Review status: criteria provided, single submitter. Criteria: Ambry Variant Classification Scheme 2023. Collection method: clinical testing. Allele origin: germline.

Women's Health and Genetics/Laboratory Corporation of America, LabCorp
Classification: Likely benign. Last evaluated: 2021-03-25. Review status: criteria provided, single submitter. Criteria: LabCorp Variant Classification Summary - May 2015. Collection method: clinical testing. Allele origin: germline.

ARUP Laboratories, Molecular Genetics and Genomics, ARUP Laboratories
Classification: Benign. Last evaluated: 2019-12-13. Review status: criteria provided, single submitter. Criteria: ARUP Molecular Germline Variant Investigation Process. Collection method: clinical testing. Allele origin: germline.

Genetic Services Laboratory, University of Chicago
Classification: Benign. Last evaluated: 2018-12-19. Review status: criteria provided, single submitter. Criteria: ACMG Guidelines, 2015. Collection method: clinical testing. Allele origin: germline. Affected: no.

GeneDx
Classification: Benign. Last evaluated: 2014-10-10. Review status: criteria provided, single submitter. Criteria: GeneDx Variant Classification (06012015). Collection method: clinical testing. Allele origin: germline. Affected: yes.
Comment: This variant is considered likely benign or benign based on one or more of the following criteria: it is a conservative change, it occurs at a poorly conserved position in the protein, it is predicted to be benign by multiple in silico algorithms, and/or has population frequency not consistent with disease.

Laboratory for Molecular Medicine, Mass General Brigham Personalized Medicine
Classification: Benign. Last evaluated: 2012-03-19. Review status: criteria provided, single submitter. Criteria: LMM Criteria. Collection method: clinical testing. Allele origin: germline. Observed: 1 variant allele.
Comment: p.Pro453Pro in Exon 09 of CBL: This variant is not expected to have clinical sig nificance because it does not alter an amino acid residue, is not located within the splice consensus sequence and has been identified in 0.6% (24/3738) of Afri can American chromosomes from a broad population by the NHLBI Exome Sequencing P roject (dbSNP rs34732429).

Breakthrough Genomics
Classification: Likely benign. Review status: criteria provided, single submitter. Criteria: ACMG Guidelines, 2015. Collection method: not provided. Allele origin: germline. Inheritance: Autosomal dominant inheritance. Affected: yes.

PreventionGenetics, part of Exact Sciences
Classification: Likely benign for CBL-related condition. Last evaluated: 2019-04-30. Review status: no assertion criteria provided. Collection method: clinical testing. Allele origin: germline. Not counted in ClinVar's aggregate classification.
Comment: This variant is classified as likely benign based on ACMG/AMP sequence variant interpretation guidelines (Richards et al. 2015 PMID: 25741868, with internal and published modifications).

Clinical Genetics, Academic Medical Center
Classification: Likely benign. Review status: no assertion criteria provided. Collection method: clinical testing. Allele origin: germline. Affected: yes. Study: VKGL Data-share Consensus. Not counted in ClinVar's aggregate classification.

Joint Genome Diagnostic Labs from Nijmegen and Maastricht, Radboudumc and MUMC+
Classification: Benign. Review status: no assertion criteria provided. Collection method: clinical testing. Allele origin: germline. Affected: yes. Study: VKGL Data-share Consensus. Not counted in ClinVar's aggregate classification.

Literature cited by the submitters: PubMed 25224413 (cited by Women's Health and Genetics/Laboratory Corporation of America, LabCorp); PubMed 21828135 (cited by Women's Health and Genetics/Laboratory Corporation of America, LabCorp); PubMed 23690417 (cited by Women's Health and Genetics/Laboratory Corporation of America, LabCorp); PubMed 19387008 (cited by Women's Health and Genetics/Laboratory Corporation of America, LabCorp); PubMed 19901108 (cited by Women's Health and Genetics/Laboratory Corporation of America, LabCorp); PubMed 20951944 (cited by Women's Health and Genetics/Laboratory Corporation of America, LabCorp); PubMed 19620960 (cited by Women's Health and Genetics/Laboratory Corporation of America, LabCorp); PubMed 22733026 (cited by Women's Health and Genetics/Laboratory Corporation of America, LabCorp); PubMed 29296819 (cited by Women's Health and Genetics/Laboratory Corporation of America, LabCorp); PubMed 27069254 (cited by Women's Health and Genetics/Laboratory Corporation of America, LabCorp).